The following is an entry in ClinVar:

NM_032444.4(SLX4):c.5257G>C (p.Asp1753His)

Gene: SLX4 (SLX4 structure-specific endonuclease subunit; minus strand). Cytogenetic location: 16p13.3.
Variant type: single nucleotide variant.
Coding change: c.5257G>C on transcript NM_032444.4 (MANE Select); coding-DNA position 5257, G replaced by C.
Protein change: p.Asp1753His; replaces aspartic acid 1753 with histidine.
Molecular consequence: missense variant.
Genome position (GRCh38, 1-based): chr16:3,582,590, C>G on the plus strand (G>C on the coding strand, the complement: SLX4 is on the minus strand). VCF-style: chr16-3582590-C-G. GRCh37 (hg19) VCF-style: chr16-3632591-C-G.
Other names: short protein forms D1753H.
Identifiers: ClinVar variation 1039719 (VCV001039719.7), dbSNP rs981311587, ClinGen allele CA276952010.

ClinVar aggregate classification (germline): Uncertain significance. Review status: criteria provided, multiple submitters, no conflicts (2 of 4 stars). 2 submissions from 2 submitters: Uncertain significance (2). Last evaluated 2022-04-03.

Conditions:
Fanconi anemia (FA). Also called: Fanconi's anemia. Identifiers: Orphanet 84, MedGen C0015625, MeSH D005199, MONDO:0019391.

Allele frequency attached by ClinVar (database versions not stated): gnomAD exomes below 0.00001.
gnomAD v4.1: 2 of 1,613,692 alleles (0.00012%); highest among the groups gnomAD compares: Middle Eastern, 0.016%; no homozygotes.

Submissions (2):

Labcorp Genetics (formerly Invitae), Labcorp
Classification: Uncertain significance for Fanconi anemia. Last evaluated: 2022-04-03. Review status: criteria provided, single submitter. Criteria: Invitae Variant Classification Sherloc (09022015). Collection method: clinical testing. Allele origin: germline.
Comment: Algorithms developed to predict the effect of missense changes on protein structure and function (SIFT, PolyPhen-2, Align-GVGD) all suggest that this variant is likely to be tolerated. ClinVar contains an entry for this variant (Variation ID: 1039719). This variant has not been reported in the literature in individuals affected with SLX4-related conditions. This variant is not present in population databases (gnomAD no frequency). This sequence change replaces aspartic acid, which is acidic and polar, with histidine, which is basic and polar, at codon 1753 of the SLX4 protein (p.Asp1753His). In summary, the available evidence is currently insufficient to determine the role of this variant in disease. Therefore, it has been classified as a Variant of Uncertain Significance.

Breakthrough Genomics
Classification: Uncertain significance. Review status: criteria provided, single submitter. Criteria: ACMG Guidelines, 2015. Collection method: not provided. Allele origin: germline. Inheritance: Autosomal recessive inheritance. Affected: yes.